The following is an entry in ClinVar:

NM_024757.5(EHMT1):c.1044G>A (p.Ser348=)

Gene: EHMT1 (euchromatic histone lysine methyltransferase 1; plus strand). Cytogenetic location: 9q34.3.
Variant type: single nucleotide variant.
Coding change: c.1044G>A on transcript NM_024757.5 (MANE Select); coding-DNA position 1044, G replaced by A.
Protein change: p.Ser348=; no amino-acid change (serine 348 retained).
Molecular consequence: synonymous variant.
Genome position (GRCh38, 1-based): chr9:137,743,964, G>A. VCF-style: chr9-137743964-G-A. GRCh37 (hg19) VCF-style: chr9-140638416-G-A.
Other names: p.Ser348=; c.1044G>A, p.Ser348= (NM_001145527.2, NM_001354611.2); c.951G>A, p.Ser317= (NM_001354259.2, NM_001354612.2); c.1023G>A, p.Ser341= (NM_001354263.2).
Identifiers: ClinVar variation 65723 (VCV000065723.29), dbSNP rs1129767, ClinGen allele CA149278.
Genomic context (GRCh38, chr9:137,743,964, plus strand): 5'-GGAGAAGGACCTGGGCGCCAGCAGCCTGCACGTGAATGGGGAGAGCCTGGAGATGGACTC[G>A]GATGAGGACGACTCAGAGGAGCTCGAGGAGGACGACGGCCATGGTGCAGAGCAGGCGGCC-3'
Protein context (NP_079033.4, residues 338-358): HVNGESLEMD[Ser348=]DEDDSEELEE

ClinVar aggregate classification (germline): Benign. Review status: criteria provided, multiple submitters, no conflicts (2 of 4 stars). 9 submissions from 9 submitters: Benign (8). 1 of the submissions does not count toward it. Last evaluated 2026-02-03.

Conditions:
Inborn genetic diseases. Identifiers: MedGen C0950123, MeSH D030342.
Kleefstra syndrome 1 (KLEFS1). Identifiers: Orphanet 261494, MedGen C0795833, MONDO:0027407, OMIM 610253.

Allele frequency attached by ClinVar (database versions not stated): 1000 Genomes Project 30x 0.15506; TOPMed 0.15653; ESP Exome Variant Server 0.13117; gnomAD 0.15179 and 0.14787; 1000 Genomes Project 0.15236.
gnomAD v4.1: 287,530 of 1,613,684 alleles (18%); highest among the groups gnomAD compares: Admixed American, 39%; 28,823 homozygotes.

Submissions (9):

Labcorp Genetics (formerly Invitae), Labcorp
Classification: Benign for Kleefstra syndrome 1. Last evaluated: 2026-02-03. Review status: criteria provided, single submitter. Criteria: Invitae Variant Classification Sherloc (09022015). Collection method: clinical testing. Allele origin: germline.

Mayo Clinic Laboratories, Mayo Clinic
Classification: Benign. Last evaluated: 2021-11-29. Review status: criteria provided, single submitter. Criteria: ACMG Guidelines, 2015. Collection method: clinical testing. Allele origin: germline. Observed: 93 variant alleles.

Genome-Nilou Lab
Classification: Benign for Kleefstra syndrome 1. Last evaluated: 2021-07-30. Review status: criteria provided, single submitter. Criteria: ACMG Guidelines, 2015. Collection method: clinical testing. Allele origin: germline. Affected: no.

GeneDx
Classification: Benign. Last evaluated: 2018-07-30. Review status: criteria provided, single submitter. Criteria: GeneDx Variant Classification Process June 2021. Collection method: clinical testing. Allele origin: germline. Affected: yes.

Ambry Genetics
Classification: Benign for Inborn genetic diseases. Last evaluated: 2016-03-11. Review status: criteria provided, single submitter. Criteria: Ambry Variant Classification Scheme 2023. Collection method: clinical testing. Allele origin: germline.

Eurofins Ntd Llc (ga)
Classification: Benign. Last evaluated: 2014-09-25. Review status: criteria provided, single submitter. Criteria: EGL Classification Definitions 2015. Collection method: clinical testing. Allele origin: germline. Observed: 9 variant alleles, 9 heterozygotes.

Breakthrough Genomics
Classification: Benign. Review status: criteria provided, single submitter. Criteria: ACMG Guidelines, 2015. Collection method: not provided. Allele origin: germline. Inheritance: Autosomal dominant inheritance. Affected: yes.

PreventionGenetics, part of Exact Sciences
Classification: Benign. Review status: criteria provided, single submitter. Criteria: ACMG Guidelines, 2015. Collection method: clinical testing. Allele origin: germline.

Genetic Services Laboratory, University of Chicago
Classification: Likely benign for AllHighlyPenetrant. Review status: no assertion criteria provided. Collection method: clinical testing. Allele origin: germline. Inheritance: Autosomal dominant inheritance. Not counted in ClinVar's aggregate classification.
Comment: Likely benign based on allele frequency in 1000 Genomes Project or ESP global frequency and its presence in a patient with a rare or unrelated disease phenotype. NOT Sanger confirmed.